The following is an entry in ClinVar:

ClinVar aggregate classification (germline): Conflicting classifications of pathogenicity. Review status: criteria provided, conflicting classifications (1 of 4 stars). 4 submissions from 4 submitters: Uncertain significance (2); Likely benign (2). Last evaluated 2024-12-26.

Conditions:
ANLN-related disorder. Also called: ANLN-related condition.
Focal segmental glomerulosclerosis 8 (FSGS8). Identifiers: Orphanet 656, MedGen C4014993, MONDO:0014462, OMIM 616032.

Allele frequency attached by ClinVar (database versions not stated): TOPMed 0.00007; ESP Exome Variant Server 0.00008; gnomAD 0.00011; 1000 Genomes Project 30x 0.00016; 1000 Genomes Project 0.00020; ExAC 0.00026.
gnomAD v4.1: 267 of 1,614,014 alleles (0.017%); highest among the groups gnomAD compares: South Asian, 0.12%; 1 homozygote.

Submissions (4):

PreventionGenetics, part of Exact Sciences
Classification: Likely benign for ANLN-related condition. Last evaluated: 2024-12-26. Review status: criteria provided, single submitter. Criteria: ACMG Guidelines, 2015. Collection method: clinical testing. Allele origin: germline.
Comment: This variant is classified as likely benign based on ACMG/AMP sequence variant interpretation guidelines (Richards et al. 2015 PMID: 25741868, with internal and published modifications).

Dr.Nikuei Genetic Center
Classification: Likely benign for Focal segmental glomerulosclerosis 8. Last evaluated: 2024-06-27. Review status: criteria provided, single submitter. Criteria: ACMG Guidelines, 2015. Collection method: clinical testing. Allele origin: germline. Affected: no.

Ambry Genetics
Classification: Uncertain significance. Last evaluated: 2023-10-25. Review status: criteria provided, single submitter. Criteria: Ambry Variant Classification Scheme 2023. Collection method: clinical testing. Allele origin: germline.

GeneDx
Classification: Uncertain significance. Last evaluated: 2023-08-03. Review status: criteria provided, single submitter. Criteria: GeneDx Variant Classification Process June 2021. Collection method: clinical testing. Allele origin: germline. Affected: yes.
Comment: In silico analysis supports that this missense variant does not alter protein structure/function; Has not been previously published as pathogenic or benign to our knowledge

NM_018685.5(ANLN):c.1216G>C (p.Ala406Pro)

Gene: ANLN (anillin, actin binding protein; plus strand). Cytogenetic location: 7p14.2.
Variant type: single nucleotide variant.
Coding change: c.1216G>C on transcript NM_018685.5 (MANE Select); coding-DNA position 1216, G replaced by C.
Protein change: p.Ala406Pro; replaces alanine 406 with proline.
Molecular consequence: missense variant.
Genome position (GRCh38, 1-based): chr7:36,410,633, G>C. VCF-style: chr7-36410633-G-C. GRCh37 (hg19) VCF-style: chr7-36450242-G-C.
Other names: c.1216G>C (NM_018685.4); c.1216G>C, p.Ala406Pro (NM_001284301.3, NM_001284302.3); short protein forms A406P.
Identifiers: ClinVar variation 3127052 (VCV003127052.4), dbSNP rs142821067, ClinGen allele CA4219532.